The following is an entry in ClinVar:

NM_005236.3(ERCC4):c.2596T>A (p.Leu866Met)

Gene: ERCC4 (ERCC excision repair 4, endonuclease catalytic subunit; plus strand). Cytogenetic location: 16p13.12.
Variant type: single nucleotide variant.
Coding change: c.2596T>A on transcript NM_005236.3 (MANE Select); coding-DNA position 2596, T replaced by A.
Protein change: p.Leu866Met; replaces leucine 866 with methionine.
Molecular consequence: missense variant.
Genome position (GRCh38, 1-based): chr16:13,948,192, T>A. VCF-style: chr16-13948192-T-A. GRCh37 (hg19) VCF-style: chr16-14042049-T-A.
Other names: short protein forms L866M.
Identifiers: ClinVar variation 3749000 (VCV003749000.2).
Genomic context (GRCh38, chr16:13,948,192, plus strand): 5'-CCTGGTCCCCAAGACTTCTTGTTAAAAATGCCAGGGGTGAATGCCAAAAACTGCCGCTCC[T>A]TGATGCACCACGTTAAGAACATCGCAGAATTAGCAGCCCTGTCACAAGACGAGCTCACGA-3'
Protein context (NP_005227.1, residues 856-876): PGVNAKNCRS[Leu866Met]MHHVKNIAEL

ClinVar aggregate classification (germline): Uncertain significance (1 of 4 stars; one submission).

Conditions:
Cockayne syndrome. Identifiers: Orphanet 191, MedGen C0009207, MONDO:0016006.
Fanconi anemia complementation group Q. Identifiers: Orphanet 84, MedGen C3808988, MONDO:0014108, OMIM 615272.
Xeroderma pigmentosum, group F (XPF). Also called: ERCC4-Related Xeroderma Pigmentosum; XERODERMA PIGMENTOSUM, TYPE F; Xeroderma pigmentosum, type 6; XERODERMA PIGMENTOSUM, COMPLEMENTATION GROUP F; XERODERMA PIGMENTOSUM VI; XP, GROUP F. Identifiers: MedGen C0268140, MONDO:0010215, OMIM 278760.

Submission:

Labcorp Genetics (formerly Invitae), Labcorp
Classification: Uncertain significance for Fanconi anemia complementation group Q; Xeroderma pigmentosum, group F; Cockayne syndrome. Last evaluated: 2024-11-22. Review status: criteria provided, single submitter. Criteria: Invitae Variant Classification Sherloc (09022015). Collection method: clinical testing. Allele origin: germline.
Comment: This sequence change replaces leucine, which is neutral and non-polar, with methionine, which is neutral and non-polar, at codon 866 of the ERCC4 protein (p.Leu866Met). This variant is not present in population databases (gnomAD no frequency). This variant has not been reported in the literature in individuals affected with ERCC4-related conditions. Invitae Evidence Modeling of protein sequence and biophysical properties (such as structural, functional, and spatial information, amino acid conservation, physicochemical variation, residue mobility, and thermodynamic stability) indicates that this missense variant is expected to disrupt ERCC4 protein function with a positive predictive value of 80%. In summary, the available evidence is currently insufficient to determine the role of this variant in disease. Therefore, it has been classified as a Variant of Uncertain Significance.